The following is an entry in ClinVar:

NM_000138.5(FBN1):c.4940A>G (p.Asp1647Gly)

Gene: FBN1 (fibrillin 1; minus strand). Cytogenetic location: 15q21.1.
Variant type: single nucleotide variant.
Coding change: c.4940A>G on transcript NM_000138.5 (MANE Select); coding-DNA position 4940, A replaced by G.
Protein change: p.Asp1647Gly; replaces aspartic acid 1647 with glycine.
Molecular consequence: missense variant.
Genome position (GRCh38, 1-based): chr15:48,465,570, T>C on the plus strand (A>G on the coding strand, the complement: FBN1 is on the minus strand). VCF-style: chr15-48465570-T-C. GRCh37 (hg19) VCF-style: chr15-48757767-T-C.
Other names: c.4940A>G, p.Asp1647Gly (NM_001406716.1); short protein forms D1647G.
Identifiers: ClinVar variation 1952443 (VCV001952443.5), dbSNP rs1566903908, ClinGen allele CA392351055.
Genomic context (GRCh38, chr15:48,465,570, plus strand): 5'-TTTTGCAGGTCAGTTCTTGATATCTGCAAGACCTTATCATCCTACCAGGACCATTTACCA[T>C]CACACACTCGTGTATCTTCATTCAGGTAGTAGCCGGTTGGACAGCGGCACTGGAAACTCC-3'
Protein context (NP_000129.3, residues 1637-1657): YYLNEDTRVC[Asp1647Gly]DVNECETPGI

ClinVar aggregate classification (germline): Uncertain significance (1 of 4 stars; one submission).

Conditions:
Familial thoracic aortic aneurysm and aortic dissection (TAAD). Also called: Thoracic aortic aneurysms and dissections. Identifiers: Orphanet 91387, MedGen C4707243, MONDO:0019625.
Marfan syndrome (MFS). Also called: MARFAN SYNDROME, TYPE I; Marfan syndrome type 1; Marfan's syndrome; Marfan syndrome, classic; FBN1-Related Marfan Syndrome. Identifiers: Orphanet 284963, Orphanet 558, MedGen C0024796, MONDO:0007947, OMIM 154700.

Submission:

Labcorp Genetics (formerly Invitae), Labcorp
Classification: Uncertain significance for Marfan syndrome; Familial thoracic aortic aneurysm and aortic dissection. Last evaluated: 2022-10-20. Review status: criteria provided, single submitter. Criteria: Invitae Variant Classification Sherloc (09022015). Collection method: clinical testing. Allele origin: germline.
Comment: Algorithms developed to predict the effect of sequence changes on RNA splicing suggest that this variant may disrupt the consensus splice site. In summary, the available evidence is currently insufficient to determine the role of this variant in disease. Therefore, it has been classified as a Variant of Uncertain Significance. Algorithms developed to predict the effect of missense changes on protein structure and function are either unavailable or do not agree on the potential impact of this missense change (SIFT: "Deleterious"; PolyPhen-2: "Possibly Damaging"; Align-GVGD: "Class C0"). This sequence change replaces aspartic acid, which is acidic and polar, with glycine, which is neutral and non-polar, at codon 1647 of the FBN1 protein (p.Asp1647Gly). This variant is not present in population databases (gnomAD no frequency). This variant has not been reported in the literature in individuals affected with FBN1-related conditions.